The following is an entry in ClinVar:

NM_001358530.2(MOCS1):c.334C>T (p.Arg112Trp)

Gene: MOCS1 (molybdenum cofactor synthesis 1; minus strand). Cytogenetic location: 6p21.2.
Variant type: single nucleotide variant.
Coding change: c.334C>T on transcript NM_001358530.2 (MANE Select); coding-DNA position 334, C replaced by T.
Protein change: p.Arg112Trp; replaces arginine 112 with tryptophan.
Molecular consequence: missense variant. On other transcripts: non-coding transcript variant (1).
Genome position (GRCh38, 1-based): chr6:39,925,762, G>A on the plus strand (C>T on the coding strand, the complement: MOCS1 is on the minus strand). VCF-style: chr6-39925762-G-A. GRCh37 (hg19) VCF-style: chr6-39893506-G-A.
Other names: c.334C>T, p.Arg112Trp (NM_001075098.4, NM_001358529.2, NM_005943.6); c.73C>T, p.Arg25Trp (NM_001358531.2, NM_001358533.2, NM_001358534.2); c.334C>T (NM_005943.5); short protein forms R112W, R25W.
Identifiers: ClinVar variation 1010994 (VCV001010994.32), dbSNP rs757431407, ClinGen allele CA3796341.

ClinVar aggregate classification (germline): Conflicting classifications of pathogenicity. Review status: criteria provided, conflicting classifications (1 of 4 stars). 5 submissions from 5 submitters: Uncertain significance (4); Likely benign (1). Last evaluated 2025-01-22.

Conditions:
MOCS1-related disorder. Also called: MOCS1-related condition.
Sulfite oxidase deficiency due to molybdenum cofactor deficiency type A. Also called: Molybdenum Cofactor Deficiency A; Molybdenum cofactor deficiency, complementation group A. Identifiers: Orphanet 308386, Orphanet 833, MedGen C1854988, MONDO:0009643, OMIM 252150.
Inborn genetic diseases. Identifiers: MedGen C0950123, MeSH D030342.

Allele frequency attached by ClinVar (database versions not stated): gnomAD 0.00002; TOPMed 0.00003; gnomAD exomes 0.00005 and 0.00006; ExAC 0.00008.
gnomAD v4.1: 91 of 1,612,694 alleles (0.0056%); highest among the groups gnomAD compares: Non-Finnish European, 0.0067%; no homozygotes.

Submissions (5):

Ambry Genetics
Classification: Uncertain significance for Inborn genetic diseases. Last evaluated: 2025-01-22. Review status: criteria provided, single submitter. Criteria: Ambry Variant Classification Scheme 2023. Collection method: clinical testing. Allele origin: germline.

Fulgent Genetics
Classification: Uncertain significance for Sulfite oxidase deficiency due to molybdenum cofactor deficiency type A. Last evaluated: 2024-05-28. Review status: criteria provided, single submitter. Criteria: ACMG Guidelines, 2015. Collection method: clinical testing. Allele origin: germline.

CeGaT Center for Human Genetics Tuebingen
Classification: Likely benign. Last evaluated: 2023-07-01. Review status: criteria provided, single submitter. Criteria: CeGaT Center For Human Genetics Tuebingen Variant Classification Criteria Version 2. Collection method: clinical testing. Allele origin: germline. Affected: yes. Observed: 1 variant allele.
Comment: MOCS1: BP2

PreventionGenetics, part of Exact Sciences
Classification: Uncertain significance for MOCS1-related condition. Last evaluated: 2022-09-20. Review status: criteria provided, single submitter. Criteria: ACMG Guidelines, 2015. Collection method: clinical testing. Allele origin: germline.
Comment: The MOCS1 c.334C>T variant is predicted to result in the amino acid substitution p.Arg112Trp. To our knowledge, this variant has not been reported in the literature. This variant is reported in 0.022% of alleles in individuals of East Asian descent in gnomAD. At this time, the clinical significance of this variant is uncertain due to the absence of conclusive functional and genetic evidence.

Labcorp Genetics (formerly Invitae), Labcorp
Classification: Uncertain significance for Sulfite oxidase deficiency due to molybdenum cofactor deficiency type A. Last evaluated: 2022-09-19. Review status: criteria provided, single submitter. Criteria: Invitae Variant Classification Sherloc (09022015). Collection method: clinical testing. Allele origin: germline.
Comment: This sequence change replaces arginine, which is basic and polar, with tryptophan, which is neutral and slightly polar, at codon 112 of the MOCS1 protein (p.Arg112Trp). This variant is present in population databases (rs757431407, gnomAD 0.02%). This variant has not been reported in the literature in individuals affected with MOCS1-related conditions. ClinVar contains an entry for this variant (Variation ID: 1010994). Algorithms developed to predict the effect of missense changes on protein structure and function are either unavailable or do not agree on the potential impact of this missense change (SIFT: "Not Available"; PolyPhen-2: "Benign"; Align-GVGD: "Not Available"). In summary, the available evidence is currently insufficient to determine the role of this variant in disease. Therefore, it has been classified as a Variant of Uncertain Significance.